The following is an entry in ClinVar:

NM_133510.4(RAD51B):c.175G>T (p.Ala59Ser)

Gene: RAD51B (RAD51 paralog B; plus strand). Cytogenetic location: 14q24.1.
Variant type: single nucleotide variant.
Coding change: c.175G>T on transcript NM_133510.4 (MANE Select); coding-DNA position 175, G replaced by T.
Protein change: p.Ala59Ser; replaces alanine 59 with serine.
Molecular consequence: missense variant. On other transcripts: 5 prime UTR variant (1).
Genome position (GRCh38, 1-based): chr14:67,825,554, G>T. VCF-style: chr14-67825554-G-T. GRCh37 (hg19) VCF-style: chr14-68292271-G-T.
Other names: c.175G>T, p.Ala59Ser (NM_001321809.2, NM_001321810.2, NM_001321812.1 and 6 more transcripts); c.61G>T, p.Ala21Ser (NM_001321815.1); c.-281G>T (NM_001321817.2); short protein forms A21S, A59S.
Identifiers: ClinVar variation 4149855 (VCV004149855.1).
Genomic context (GRCh38, chr14:67,825,554, plus strand): 5'-ATGAAGGTGACTGGTCTGAGTTATCGAGGTGTCCATGAACTTCTATGTATGGTCAGCAGG[G>T]CCTGTGCCCCAAAGATGCAAACGGTATATTTATATTTTATTATGATTTGATTATGAATGA-3'
Protein context (NP_598194.1, residues 49-69): VHELLCMVSR[Ala59Ser]CAPKMQTAYG

ClinVar aggregate classification (germline): Uncertain significance (1 of 4 stars; one submission).

Submission:

Ambry Genetics
Classification: Uncertain significance. Last evaluated: 2025-08-21. Review status: criteria provided, single submitter. Criteria: Ambry Variant Classification Scheme 2023. Collection method: clinical testing. Allele origin: germline.
Comment: The p.A59S variant (also known as c.175G>T), located in coding exon 2 of the RAD51B gene, results from a G to T substitution at nucleotide position 175. The alanine at codon 59 is replaced by serine, an amino acid with similar properties. This amino acid position is conserved. In addition, this alteration is predicted to be tolerated by in silico analysis. Based on the available evidence, the clinical significance of this variant remains unclear.